The following is an entry in ClinVar:

NM_016292.3(TRAP1):c.251C>G (p.Ser84Cys)

Gene: TRAP1 (TNF receptor associated protein 1; minus strand). Cytogenetic location: 16p13.3.
Variant type: single nucleotide variant.
Coding change: c.251C>G on transcript NM_016292.3 (MANE Select); coding-DNA position 251, C replaced by G.
Protein change: p.Ser84Cys; replaces serine 84 with cysteine.
Molecular consequence: missense variant.
Genome position (GRCh38, 1-based): chr16:3,689,134, G>C on the plus strand (C>G on the coding strand, the complement: TRAP1 is on the minus strand). VCF-style: chr16-3689134-G-C. GRCh37 (hg19) VCF-style: chr16-3739135-G-C.
Other names: c.92C>G, p.Ser31Cys (NM_001272049.2); short protein forms S84C, S31C.
Identifiers: ClinVar variation 2063555 (VCV002063555.4), dbSNP rs1567236969, ClinGen allele CA394571811.

ClinVar aggregate classification (germline): Uncertain significance (1 of 4 stars; one submission).

gnomAD v4.1: 3 of 1,613,214 alleles (0.00019%); highest among the groups gnomAD compares: Non-Finnish European, 0.00025%; no homozygotes.

Submission:

Labcorp Genetics (formerly Invitae), Labcorp
Classification: Uncertain significance. Last evaluated: 2023-10-03. Review status: criteria provided, single submitter. Criteria: Invitae Variant Classification Sherloc (09022015). Collection method: clinical testing. Allele origin: germline.
Comment: This sequence change replaces serine, which is neutral and polar, with cysteine, which is neutral and slightly polar, at codon 84 of the TRAP1 protein (p.Ser84Cys). This variant is not present in population databases (gnomAD no frequency). This variant has not been reported in the literature in individuals affected with TRAP1-related conditions. ClinVar contains an entry for this variant (Variation ID: 2063555). An algorithm developed to predict the effect of missense changes on protein structure and function (PolyPhen-2) suggests that this variant is likely to be disruptive. In summary, the available evidence is currently insufficient to determine the role of this variant in disease. Therefore, it has been classified as a Variant of Uncertain Significance.